The following is an entry in ClinVar:

ClinVar aggregate classification (germline): Likely pathogenic. Review status: reviewed by expert panel (3 of 4 stars). 3 submissions from 3 submitters: Likely pathogenic (1). 2 of the submissions do not count toward it. Last evaluated 2024-09-30.

Conditions:
Hereditary factor IX deficiency disease (HEMB). Also called: Christmas Disease; Hemophilia B; PLASMA THROMBOPLASTIN COMPONENT DEFICIENCY; F9 DEFICIENCY; FACTOR IX DEFICIENCY. Identifiers: Orphanet 98879, MedGen C0008533, MeSH D002836, MONDO:0010604, OMIM 306900.

Submissions (3):

ClinGen Coagulation Factor Deficiency Variant Curation Expert Panel, Clingen
Classification: Likely pathogenic for Hereditary factor IX deficiency disease. Last evaluated: 2024-09-30. Review status: reviewed by expert panel. Criteria: ClinGen CoagFactor ACMG Specifications F9 V1.0.0. Collection method: curation. Allele origin: germline. Inheritance: X-linked inheritance.
Comment: The c.1009G>C (NM_000133.4) variant in F9 is a missense variant predicted to cause substitution of alanine by proline at amino acid 337 (p.Ala337Pro). This variant is absent from males in population databases (gnomAD v2.1.1/gnomAD v3). This variant has been previously reported in at least one patient with mild hemophilia B (PMID: 1998585), meeting phenotypic criteria for F9. An additional proband with severe hemophilia B has been reported in the EAHAD Factor IX (F9) variant database. The computational predictor REVEL gives a score of 0.617, which is above the threshold of 0.6, evidence that correlates with impact to F9 function (PP3). Different missense variants causing a change at the same residue (p.Ala337Thr and p.Ala337Val) have been established as pathogenic for F9 and SpliceAI predicts no impact on splicing meeting PM5. In summary, based on the evidence available at this time, the clinical significance of this variant is uncertain. ACMG/AMP criteria applied, as specified by the Coagulation Factor Deficiency Variant Curation Expert Panel for F9: PS4_Moderate + PM2_Supporting + PP3 + PM5. (ClinGen Coagulation Factor Deficiency Expert Panel Specifications to the ACMG/AMP Variant Interpretation Guidelines for F9 Version 1.0.0., Released 10/5/2023).

OMIM
Classification: Pathogenic for HEMOPHILIA B. Last evaluated: 1990-03-11. Review status: no assertion criteria provided. Collection method: literature only. Allele origin: germline. Not counted in ClinVar's aggregate classification.

ISTH-SSC Genomics in Thrombosis and Hemostasis, KU Leuven, Center for Molecular and Vascular Biology
Classification: Likely pathogenic for Hereditary factor IX deficiency disease. Review status: no assertion criteria provided. Collection method: research. Allele origin: unknown. Affected: yes. Not counted in ClinVar's aggregate classification.
Comment: Submitted to GoldVariant by Dr Karyn Mégy from NIHR Bioresource - Cambridge University, UK

Literature cited by the submitters: PubMed 2320433 (cited by OMIM).

NM_000133.4(F9):c.1009G>C (p.Ala337Pro)

Gene: F9 (coagulation factor IX; plus strand). Cytogenetic location: Xq27.1.
Variant type: single nucleotide variant.
Coding change: c.1009G>C on transcript NM_000133.4 (MANE Select); coding-DNA position 1009, G replaced by C.
Protein change: p.Ala337Pro; replaces alanine 337 with proline.
Molecular consequence: missense variant.
Genome position (GRCh38, 1-based): chrX:139,561,694, G>C. VCF-style: chrX-139561694-G-C. GRCh37 (hg19) VCF-style: chrX-138643853-G-C.
Other names: F9, ALA291PRO; A291P; NM_000133.3(F9):c.1009G>C; p.Ala337Pro; c.895G>C, p.Ala299Pro (NM_001313913.2); short protein forms A337P, A299P.
Identifiers: ClinVar variation 10606 (VCV000010606.3), dbSNP rs137852253, ClinGen allele CA255378.